The following is an entry in ClinVar:

NC_000012.12:g.21766013T>C

Genes: KCNJ8 (potassium inwardly rectifying channel subfamily J member 8; minus strand), KCNJ8-AS1 (KCNJ8 antisense RNA 1; plus strand). Cytogenetic location: 12p12.1.
Variant type: single nucleotide variant.
Genome position: GRCh38 VCF-style: chr12-21766013-T-C. GRCh37 (hg19) VCF-style: chr12-21918947-T-C.
Identifiers: ClinVar variation 2120099 (VCV002120099.4), dbSNP rs775816433, ClinGen allele CA6480637.

ClinVar aggregate classification (germline): Uncertain significance (1 of 4 stars; one submission).

Conditions:
Brugada syndrome. Also called: Sudden unexplained nocturnal death syndrome; Sudden Unexplained Death Syndrome; Sudden Unexplained Nocturnal Death Syndrome (SUNDS); Sudden unexpected nocturnal death syndrome. Identifiers: Orphanet 130, MedGen C1142166, MONDO:0015263.

Allele frequency attached by ClinVar (database versions not stated): gnomAD exomes below 0.00001; ExAC 0.00001.
gnomAD v4.1: 3 of 1,614,160 alleles (0.00019%); highest among the groups gnomAD compares: Non-Finnish European, 0.00025%; no homozygotes.

Submission:

Labcorp Genetics (formerly Invitae), Labcorp
Classification: Uncertain significance for Brugada syndrome. Last evaluated: 2025-03-03. Review status: criteria provided, single submitter. Criteria: Invitae Variant Classification Sherloc (09022015). Collection method: clinical testing. Allele origin: germline.
Comment: This sequence change replaces threonine, which is neutral and polar, with alanine, which is neutral and non-polar, at codon 329 of the KCNJ8 protein (p.Thr329Ala). This variant is present in population databases (rs775816433, gnomAD 0.0009%). This variant has not been reported in the literature in individuals affected with KCNJ8-related conditions. ClinVar contains an entry for this variant (Variation ID: 2120099). Invitae Evidence Modeling of protein sequence and biophysical properties (such as structural, functional, and spatial information, amino acid conservation, physicochemical variation, residue mobility, and thermodynamic stability) indicates that this missense variant is not expected to disrupt KCNJ8 protein function with a negative predictive value of 95%. In summary, the available evidence is currently insufficient to determine the role of this variant in disease. Therefore, it has been classified as a Variant of Uncertain Significance.